The following is an entry in ClinVar:

ClinVar aggregate classification (germline): Likely pathogenic (1 of 4 stars; one submission).

Conditions:
Charlevoix-Saguenay spastic ataxia (SACS). Also called: AUTOSOMAL RECESSIVE SPASTIC ATAXIA OF CHARLEVOIX-SAGUENAY; Spastic ataxia of Charlevoix-Saguenay; SPASTIC ATAXIA 6, AUTOSOMAL RECESSIVE. Identifiers: Orphanet 98, MedGen C1849140, MONDO:0010041, OMIM 270550.

Submission:

Natera, Inc.
Classification: Likely pathogenic for Charlevoix-Saguenay type spastic ataxia. Last evaluated: 2025-08-06. Review status: criteria provided, single submitter. Criteria: Natera Variant Classification Schema (03/2026). Collection method: clinical testing. Allele origin: germline.
Comment: The c.10644_10646delinsGG variant in SACS is a frameshift variant predicted to shift the reading frame beginning at codon 3548 and leads to a stop codon 23 codons downstream. This variant is expected to result in nonsense mediated decay, truncation, or a dysfunctional protein product. This variant is rare in the general population with a frequency below the threshold expected for the associated phenotype(s). Given the available evidence, this variant is classified as Likely Pathogenic.

NM_014363.6(SACS):c.10644_10646delinsGG (p.Phe3548fs)

Gene: SACS (sacsin molecular chaperone; minus strand). Cytogenetic location: 13q12.12.
Variant type: Indel.
Coding change: c.10644_10646delinsGG on transcript NM_014363.6 (MANE Select); coding-DNA positions 10644 to 10646, TGA replaced by GG.
Protein change: p.Phe3548fs; shifts the reading frame from phenylalanine 3548.
Molecular consequence: frameshift variant.
Genome position (GRCh38, 1-based): chr13:23,333,230-23,333,232, TCA replaced by CC on the plus strand (TGA replaced by GG on the coding strand, the reverse complement: SACS is on the minus strand). VCF-style: chr13-23333230-TCA-CC. GRCh37 (hg19) VCF-style: chr13-23907369-TCA-CC.
Other names: c.10203_10205delinsGG, p.Phe3401fs (NM_001278055.2); c.10671_10673delinsGG, p.Phe3557fs (NM_001437336.1); short protein forms F3401fs, F3548fs, F3557fs.
Identifiers: ClinVar variation 4815669 (VCV004815669.1).